The following is an entry in ClinVar:

ClinVar aggregate classification (germline): Pathogenic (1 of 4 stars; one submission).

Submission:

Labcorp Genetics (formerly Invitae), Labcorp
Classification: Pathogenic. Last evaluated: 2023-10-16. Review status: criteria provided, single submitter. Criteria: Invitae Variant Classification Sherloc (09022015). Collection method: clinical testing. Allele origin: germline.
Comment: This sequence change creates a premature translational stop signal (p.Gly578Argfs*28) in the COL4A4 gene. It is expected to result in an absent or disrupted protein product. Loss-of-function variants in COL4A4 are known to be pathogenic (PMID: 21196518, 24854265, 25307543). This variant is not present in population databases (gnomAD no frequency). This variant has not been reported in the literature in individuals affected with COL4A4-related conditions. For these reasons, this variant has been classified as Pathogenic.

Literature cited by the submitters: PubMed 21196518; PubMed 24854265; PubMed 25307543.

NM_000092.5(COL4A4):c.1730dup (p.Gly578fs)

Gene: COL4A4 (collagen type IV alpha 4 chain; minus strand). Cytogenetic location: 2q36.3.
Variant type: Duplication.
Coding change: c.1730dup on transcript NM_000092.5 (MANE Select); coding-DNA position 1730, one base duplicated (C; older notation c.1730dupC).
Protein change: p.Gly578fs; shifts the reading frame from glycine 578.
Molecular consequence: frameshift variant.
Genome position (GRCh38, 1-based): chr2:227,080,516, G duplicated on the plus strand (C on the coding strand, the reverse complement: COL4A4 is on the minus strand); the first of 5 consecutive G bases (chr2:227,080,516-227,080,520); duplicating any one gives the same sequence. VCF-style (leftmost placement, unchanged base first): chr2-227080515-T-TG. GRCh37 (hg19) VCF-style: chr2-227945231-T-TG.
Other names: short protein forms G578fs.
Identifiers: ClinVar variation 2769187 (VCV002769187.3), dbSNP rs1164171835, ClinGen allele CA2697550475.